The following is an entry in ClinVar:

NM_006579.3(EBP):c.188G>A (p.Arg63Gln)

Gene: EBP (EBP cholestenol delta-isomerase; plus strand). Cytogenetic location: Xp11.23.
Variant type: single nucleotide variant.
Coding change: c.188G>A on transcript NM_006579.3 (MANE Select); coding-DNA position 188, G replaced by A.
Protein change: p.Arg63Gln; replaces arginine 63 with glutamine.
Molecular consequence: missense variant.
Genome position (GRCh38, 1-based): chrX:48,523,959, G>A. VCF-style: chrX-48523959-G-A. GRCh37 (hg19) VCF-style: chrX-48382347-G-A.
Other names: short protein forms R63Q.
Identifiers: ClinVar variation 811902 (VCV000811902.36), dbSNP rs782638360, ClinGen allele CA10402987.

ClinVar aggregate classification (germline): Conflicting classifications of pathogenicity. Review status: criteria provided, conflicting classifications (1 of 4 stars). 5 submissions from 5 submitters: Uncertain significance (3); Benign (1); Likely benign (1). Last evaluated 2025-01-22.

Conditions:
Chondrodysplasia punctata 2 X-linked dominant (CDPX2). Also called: Hunermann-Conradi Syndrome; CONRADI-HUNERMANN-HAPPLE SYNDROME; HAPPLE SYNDROME; EBP-Related X-Linked Chondrodysplasia Punctata. Identifiers: Orphanet 35173, MedGen C0282102, MONDO:0020603, OMIM 302960.
MEND syndrome (MEND). Also called: MALE EBP DISORDER WITH NEUROLOGIC DEFECTS. Identifiers: Orphanet 401973, MedGen C4085243, MONDO:0010498, OMIM 300960.

Allele frequency attached by ClinVar (database versions not stated): gnomAD 0.00004 and 0.00006; gnomAD exomes 0.00004; ExAC 0.00005; TOPMed 0.00005; 1000 Genomes Project 30x 0.00042.

Submissions (5):

Labcorp Genetics (formerly Invitae), Labcorp
Classification: Benign. Last evaluated: 2025-01-22. Review status: criteria provided, single submitter. Criteria: Invitae Variant Classification Sherloc (09022015). Collection method: clinical testing. Allele origin: germline.

CeGaT Center for Human Genetics Tuebingen
Classification: Likely benign. Last evaluated: 2022-11-01. Review status: criteria provided, single submitter. Criteria: CeGaT Center For Human Genetics Tuebingen Variant Classification Criteria Version 2. Collection method: clinical testing. Allele origin: germline. Affected: yes. Observed: 1 variant allele.
Comment: EBP: BS2

Fulgent Genetics
Classification: Uncertain significance for MEND syndrome; Chondrodysplasia punctata 2 X-linked dominant. Last evaluated: 2022-05-27. Review status: criteria provided, single submitter. Criteria: ACMG Guidelines, 2015. Collection method: clinical testing. Allele origin: unknown.

ARUP Laboratories, Molecular Genetics and Genomics, ARUP Laboratories
Classification: Uncertain significance. Last evaluated: 2019-02-24. Review status: criteria provided, single submitter. Criteria: ARUP Molecular Germline Variant Investigation Process. Collection method: clinical testing. Allele origin: germline.
Comment: The EBP c.188G>A; p.Arg63Gln variant (rs782638360), to our knowledge, is not described in the medical literature or in gene-specific databases. It is observed in the non-Finnish European population at an overall frequency of 0.01% (8/81924 alleles, 3 hemizygotes) in the Genome Aggregation Database. The arginine at codon 63 is highly conserved, and computational algorithms (PolyPhen-2, SIFT) predict that this variant is damaging. However, due to the lack of clinical and functional data regarding this variant, its clinical significance cannot be determined with certainty.

Breakthrough Genomics
Classification: Uncertain significance. Review status: criteria provided, single submitter. Criteria: ACMG Guidelines, 2015. Collection method: not provided. Allele origin: germline. Inheritance: X-linked inheritance. Affected: yes.